The following is an entry in ClinVar:

NM_177438.3(DICER1):c.4967A>C (p.Asp1656Ala)

Gene: DICER1 (dicer 1, ribonuclease III; minus strand). Cytogenetic location: 14q32.13.
Variant type: single nucleotide variant.
Coding change: c.4967A>C on transcript NM_177438.3 (MANE Select); coding-DNA position 4967, A replaced by C.
Protein change: p.Asp1656Ala; replaces aspartic acid 1656 with alanine.
Molecular consequence: missense variant.
Genome position (GRCh38, 1-based): chr14:95,095,953, T>G on the plus strand (A>C on the coding strand, the complement: DICER1 is on the minus strand). VCF-style: chr14-95095953-T-G. GRCh37 (hg19) VCF-style: chr14-95562290-T-G.
Other names: c.4967A>C, p.Asp1656Ala (NM_001195573.1, NM_001271282.3, NM_001291628.2 and 1 more transcripts); short protein forms D1656A.
Identifiers: ClinVar variation 825331 (VCV000825331.4), dbSNP rs1431986661, ClinGen allele CA390866206.

ClinVar aggregate classification (germline): Uncertain significance (1 of 4 stars; one submission).

Conditions:
Hereditary cancer-predisposing syndrome. Also called: Neoplastic Syndromes, Hereditary; Tumor predisposition; Hereditary neoplastic syndrome; Hereditary Cancer Syndrome. Identifiers: Orphanet 140162, MedGen C0027672, MeSH D009386, MONDO:0015356.

Submission:

Ambry Genetics
Classification: Uncertain significance for Hereditary cancer-predisposing syndrome. Last evaluated: 2019-05-21. Review status: criteria provided, single submitter. Criteria: Ambry Variant Classification Scheme 2023. Collection method: clinical testing. Allele origin: germline.
Comment: The p.D1656A variant (also known as c.4967A>C), located in coding exon 22 of the DICER1 gene, results from an A to C substitution at nucleotide position 4967. The aspartic acid at codon 1656 is replaced by alanine, an amino acid with dissimilar properties. This amino acid position is poorly conserved in available vertebrate species. In addition, the in silico prediction for this alteration is inconclusive. Since supporting evidence is limited at this time, the clinical significance of this alteration remains unclear.